The following is an entry in ClinVar:

NM_005585.5(SMAD6):c.374C>T (p.Thr125Ile)

Gene: SMAD6 (SMAD family member 6; plus strand). Cytogenetic location: 15q22.31.
Variant type: single nucleotide variant.
Coding change: c.374C>T on transcript NM_005585.5 (MANE Select); coding-DNA position 374, C replaced by T.
Protein change: p.Thr125Ile; replaces threonine 125 with isoleucine.
Molecular consequence: missense variant. On other transcripts: non-coding transcript variant (1).
Genome position (GRCh38, 1-based): chr15:66,703,632, C>T. VCF-style: chr15-66703632-C-T. GRCh37 (hg19) VCF-style: chr15-66995970-C-T.
Other names: c.374C>T (NM_005585.4); short protein forms T125I.
Identifiers: ClinVar variation 623871 (VCV000623871.12), dbSNP rs759468399, ClinGen allele CA7626458.

ClinVar aggregate classification (germline): Conflicting classifications of pathogenicity. Review status: criteria provided, conflicting classifications (1 of 4 stars). 3 submissions from 3 submitters: Uncertain significance (2); Likely benign (1). Last evaluated 2025-07-28.

Conditions:
Aortic valve disease 2 (AOVD2). Identifiers: MedGen C3542024, MONDO:0013902, OMIM 614823.
Inborn genetic diseases. Identifiers: MedGen C0950123, MeSH D030342.

Allele frequency attached by ClinVar (database versions not stated): ExAC below 0.00001; gnomAD 0.00001; TOPMed 0.00002; gnomAD exomes 0.00007.
gnomAD v4.1: 75 of 1,232,590 alleles (0.0061%); highest among the groups gnomAD compares: Middle Eastern, 0.031%; no homozygotes.

Submissions (3):

Ambry Genetics
Classification: Uncertain significance for Inborn genetic diseases. Last evaluated: 2025-07-28. Review status: criteria provided, single submitter. Criteria: Ambry Variant Classification Scheme 2023. Collection method: clinical testing. Allele origin: germline.
Comment: The p.T125I variant (also known as c.374C>T), located in coding exon 1 of the SMAD6 gene, results from a C to T substitution at nucleotide position 374. The threonine at codon 125 is replaced by isoleucine, an amino acid with similar properties. This amino acid position is conserved. In addition, the in silico prediction for this alteration is inconclusive. Since supporting evidence is limited at this time, the clinical significance of this alteration remains unclear.

Labcorp Genetics (formerly Invitae), Labcorp
Classification: Uncertain significance for Aortic valve disease 2. Last evaluated: 2024-12-10. Review status: criteria provided, single submitter. Criteria: Invitae Variant Classification Sherloc (09022015). Collection method: clinical testing. Allele origin: germline.
Comment: This sequence change replaces threonine, which is neutral and polar, with isoleucine, which is neutral and non-polar, at codon 125 of the SMAD6 protein (p.Thr125Ile). This variant is not present in population databases (gnomAD no frequency). This variant has not been reported in the literature in individuals affected with SMAD6-related conditions. ClinVar contains an entry for this variant (Variation ID: 623871). An algorithm developed to predict the effect of missense changes on protein structure and function (PolyPhen-2) suggests that this variant is likely to be disruptive. In summary, the available evidence is currently insufficient to determine the role of this variant in disease. Therefore, it has been classified as a Variant of Uncertain Significance.

CeGaT Center for Human Genetics Tuebingen
Classification: Likely benign. Last evaluated: 2018-09-30. Review status: criteria provided, single submitter. Criteria: Praxis fuer Humangenetik Tuebingen - Variant Classification Criteria. Collection method: clinical testing. Allele origin: germline. Affected: yes. Observed: 1 variant allele.